The following is an entry in ClinVar:

NM_138387.4(G6PC3):c.850A>C (p.Ile284Leu)

Gene: G6PC3 (glucose-6-phosphatase catalytic subunit 3; plus strand). Cytogenetic location: 17q21.31.
Variant type: single nucleotide variant.
Coding change: c.850A>C on transcript NM_138387.4 (MANE Select); coding-DNA position 850, A replaced by C.
Protein change: p.Ile284Leu; replaces isoleucine 284 with leucine.
Molecular consequence: missense variant. On other transcripts: 3 prime UTR variant (1).
Genome position (GRCh38, 1-based): chr17:44,075,852, A>C. VCF-style: chr17-44075852-A-C. GRCh37 (hg19) VCF-style: chr17-42153220-A-C.
Other names: c.*143A>C (NM_001319945.2); c.505A>C, p.Ile169Leu (NM_001384165.1, NM_001384166.1, NM_001384167.1 and 1 more transcripts); short protein forms I284L, I169L.
Identifiers: ClinVar variation 4843956 (VCV004843956.1).

ClinVar aggregate classification (germline): Uncertain significance (1 of 4 stars; one submission).

Conditions:
Inborn genetic diseases. Identifiers: MedGen C0950123, MeSH D030342.

Submission:

Ambry Genetics
Classification: Uncertain significance for Inborn genetic diseases. Last evaluated: 2025-12-21. Review status: criteria provided, single submitter. Criteria: Ambry Variant Classification Scheme 2023. Collection method: clinical testing. Allele origin: germline.
Comment: The p.I284L variant (also known as c.850A>C), located in coding exon 6 of the G6PC3 gene, results from an A to C substitution at nucleotide position 850. The isoleucine at codon 284 is replaced by leucine, an amino acid with highly similar properties. This amino acid position is conserved. In addition, this alteration is predicted to be tolerated by in silico analysis. Based on the available evidence, the clinical significance of this variant remains unclear.